The following is an entry in ClinVar:

ClinVar aggregate classification (germline): Uncertain significance. Review status: criteria provided, single submitter (1 of 4 stars). 2 submissions from 2 submitters: Uncertain significance (1). 1 of the submissions does not count toward it. Last evaluated 2021-05-11.

Conditions:
Hepatocellular carcinoma (HCC). Also called: Primary carcinoma of liver; HEPATOMA; LIVER CELL CARCINOMA. Identifiers: Orphanet 88673, MedGen C2239176, MONDO:0007256, OMIM 114550, HP:0001402.
Dyskeratosis congenita, autosomal dominant 2. Identifiers: MedGen C3151443, MONDO:0013521, OMIM 613989.
Idiopathic Pulmonary Fibrosis. Also called: Idiopathic fibrosing alveolitis, chronic form; idiopathic fibrosing alveolitis. Identifiers: Orphanet 2032, MedGen C1800706, MeSH D054990, MONDO:0800504.

Submissions (2):

Labcorp Genetics (formerly Invitae), Labcorp
Classification: Uncertain significance for Dyskeratosis congenita, autosomal dominant 2; Idiopathic Pulmonary Fibrosis. Last evaluated: 2021-05-11. Review status: criteria provided, single submitter. Criteria: Invitae Variant Classification Sherloc (09022015). Collection method: clinical testing. Allele origin: germline.
Comment: In summary, the available evidence is currently insufficient to determine the role of this variant in disease. Therefore, it has been classified as a Variant of Uncertain Significance. Experimental studies have shown that this variant affects TERT protein function (PMID: 28677271). This variant has been observed in individual(s) with nonalcoholic fatty liver disease - hepatocellular carcinoma (NAFLD-HCC) (PMID: 28677271). ClinVar contains an entry for this variant (Variation ID: 268077). The frequency data for this variant in the population databases is considered unreliable, as metrics indicate insufficient coverage at this position in the ExAC database. This sequence change replaces alanine with valine at codon 67 of the TERT protein (p.Ala67Val). The alanine residue is weakly conserved and there is a small physicochemical difference between alanine and valine.

Metabolic Liver Diseases Lab, Fondazione IRCCS Ca Granda Policlinico, University of Milan
Classification: Likely pathogenic for Hepatocellular carcinoma. Last evaluated: 2016-06-01. Review status: no assertion criteria provided. Collection method: case-control. Allele origin: germline. Affected: yes. Observed: 1 variant allele. Not counted in ClinVar's aggregate classification.
Comment: unstable protein in vitro

Literature cited by the submitters: PubMed 28677271 (cited by Labcorp Genetics (formerly Invitae), Labcorp and Metabolic Liver Diseases Lab, Fondazione IRCCS Ca Granda Policlinico, University of Milan).

NM_198253.3(TERT):c.200C>T (p.Ala67Val)

Genes: TERT (telomerase reverse transcriptase; minus strand), LOC110806263 (TERT 5' regulatory region; plus strand). Cytogenetic location: 5p15.33.
Variant type: single nucleotide variant.
Coding change: c.200C>T on transcript NM_198253.3 (MANE Select); coding-DNA position 200, C replaced by T.
Protein change: p.Ala67Val; replaces alanine 67 with valine.
Molecular consequence: missense variant. On other transcripts: non-coding transcript variant (2).
Genome position (GRCh38, 1-based): chr5:1,294,790, G>A on the plus strand (C>T on the coding strand, the complement: TERT is on the minus strand). VCF-style: chr5-1294790-G-A. GRCh37 (hg19) VCF-style: chr5-1294905-G-A.
Other names: c.200C>T, p.Ala67Val (NM_001193376.3); short protein forms A67V.
Identifiers: ClinVar variation 268077 (VCV000268077.8), dbSNP rs1554043124, ClinGen allele CA359058824.